The following is an entry in ClinVar:

ClinVar aggregate classification (germline): Uncertain significance (1 of 4 stars; one submission).

Allele frequency attached by ClinVar (database versions not stated): ExAC 0.00001.
gnomAD v4.1: 2 of 1,613,890 alleles (0.00012%); no homozygotes.

Submission:

Labcorp Genetics (formerly Invitae), Labcorp
Classification: Uncertain significance. Last evaluated: 2023-12-11. Review status: criteria provided, single submitter. Criteria: Invitae Variant Classification Sherloc (09022015). Collection method: clinical testing. Allele origin: germline.
Comment: This sequence change falls in intron 40 of the CDH23 gene. It does not directly change the encoded amino acid sequence of the CDH23 protein. It affects a nucleotide within the consensus splice site. This variant is present in population databases (rs752015536, gnomAD 0.006%). This variant has not been reported in the literature in individuals affected with CDH23-related conditions. ClinVar contains an entry for this variant (Variation ID: 2173432). Variants that disrupt the consensus splice site are a relatively common cause of aberrant splicing (PMID: 17576681, 9536098). Algorithms developed to predict the effect of sequence changes on RNA splicing suggest that this variant is not likely to affect RNA splicing. In summary, the available evidence is currently insufficient to determine the role of this variant in disease. Therefore, it has been classified as a Variant of Uncertain Significance.

Literature cited by the submitters: PubMed 17576681; PubMed 9536098.

NM_022124.6(CDH23):c.5187+4G>T

Gene: CDH23 (cadherin related 23; plus strand). Cytogenetic location: 10q22.1.
Variant type: single nucleotide variant.
Coding change: c.5187+4G>T on transcript NM_022124.6 (MANE Select); 4 bases into the intron after coding-DNA position 5187, G replaced by T.
Molecular consequence: intron variant.
Genome position (GRCh38, 1-based): chr10:71,778,312, G>T. VCF-style: chr10-71778312-G-T. GRCh37 (hg19) VCF-style: chr10-73538069-G-T.
Identifiers: ClinVar variation 2173432 (VCV002173432.3), dbSNP rs752015536, ClinGen allele CA5545664.